The following continues an entry in ClinVar:

NM_000070.3(CAPN3):c.146G>A (p.Arg49His)

Gene: CAPN3. ClinVar aggregate classification (germline): Pathogenic. Pathogenic (1).

Submissions 10 to 13 of 13:

Kariminejad - Najmabadi Pathology & Genetics Center
Classification: Pathogenic for Abnormality of the musculature. Last evaluated: 2021-07-10. Review status: criteria provided, single submitter. Criteria: ACMG Guidelines, 2015. Collection method: clinical testing. Allele origin: germline. Affected: yes. Not counted in ClinVar's aggregate classification.

Revvity Omics, Revvity
Classification: Pathogenic. Last evaluated: 2020-01-04. Review status: criteria provided, single submitter. Criteria: ACMG Guidelines, 2015. Collection method: clinical testing. Allele origin: germline. Not counted in ClinVar's aggregate classification.

Broad Center for Mendelian Genomics, Broad Institute of MIT and Harvard
Classification: Likely pathogenic for Autosomal recessive limb-girdle muscular dystrophy type 2A. Last evaluated: 2018-12-03. Review status: criteria provided, single submitter. Criteria: ACMG Guidelines, 2015. Collection method: research. Allele origin: germline. Inheritance: Autosomal recessive inheritance. Affected: yes. Not counted in ClinVar's aggregate classification.
Comment: This variant was absent from large population studies. Computational prediction tools and conservation analyses suggest that this variant may impact the protein, though this information is not predictive enough to determine pathogenicity. The p.Arg49His variant in CAPN3 has been reported in the compound heterozygous state in 5 individuals with LGMD (PMID: 17318636, 16650086, 16100770, 16411092). The presence of this variant in combination with multiple CAPN3 variants (1 reported pathogenic, 2 reported VUS, and 2 loss of function variants not reported in ClinVar) and in 5 individuals with LGMD increases the likelihood that the p.Arg49His variant is pathogenic. Another missense variant at the same position, p.Arg49Cys, has been reported likely pathogenic in ClinVar (Variation ID: 193037). This raises the possibility that a change at this position would not be tolerated. In summary, although additional studies are required to fully establish its clinical significance, this variant is likely pathogenic. ACMG/AMP Criteria applied: PM2, PP3, PM3_Strong, PM4_Supporting (Richards 2015).

Counsyl
Classification: Likely pathogenic for Autosomal recessive limb-girdle muscular dystrophy type 2A. Last evaluated: 2018-01-31. Review status: no assertion criteria provided. Collection method: clinical testing. Allele origin: unknown. Not counted in ClinVar's aggregate classification.

Literature cited by the submitters: PubMed 16100770 (cited by 4 submitters); PubMed 16411092 (cited by 4 submitters); PubMed 16650086 (cited by 5 submitters); PubMed 17318636 (cited by 5 submitters); PubMed 19364062 (cited by 3 submitters); PubMed 25135358 (cited by Labcorp Genetics (formerly Invitae), Labcorp and Athena Diagnostics); PubMed 18055493 (cited by Labcorp Genetics (formerly Invitae), Labcorp and 3billion); PubMed 18334579 (cited by Labcorp Genetics (formerly Invitae), Labcorp); PubMed 19285864 (cited by Labcorp Genetics (formerly Invitae), Labcorp); PubMed 19556129 (cited by Labcorp Genetics (formerly Invitae), Labcorp); PubMed 14981715 (cited by 3billion and Athena Diagnostics); PubMed 27671536 (cited by Athena Diagnostics and Women's Health and Genetics/Laboratory Corporation of America, LabCorp); PubMed 22926650 (cited by Athena Diagnostics); PubMed 34355366 (cited by Athena Diagnostics); PubMed 36575883 (cited by Athena Diagnostics); PubMed 33963534 (cited by Athena Diagnostics and Women's Health and Genetics/Laboratory Corporation of America, LabCorp); PubMed 30919934 (cited by Athena Diagnostics); PubMed 35157181 (cited by Athena Diagnostics and Women's Health and Genetics/Laboratory Corporation of America, LabCorp); PubMed 31066050 (cited by Athena Diagnostics); PubMed 37526466 (cited by Athena Diagnostics); PubMed 38374194 (cited by Athena Diagnostics); PubMed 16141003 (cited by Athena Diagnostics and Counsyl).